The following is an entry in ClinVar:

ClinVar aggregate classification (germline): Uncertain significance (1 of 4 stars; one submission).

Allele frequency attached by ClinVar (database versions not stated): gnomAD exomes below 0.00001; TOPMed below 0.00001.
gnomAD v4.1: 3 of 1,610,142 alleles (0.00019%); highest among the groups gnomAD compares: Admixed American, 0.0033%; no homozygotes.

Submission:

Labcorp Genetics (formerly Invitae), Labcorp
Classification: Uncertain significance. Last evaluated: 2022-06-16. Review status: criteria provided, single submitter. Criteria: Invitae Variant Classification Sherloc (09022015). Collection method: clinical testing. Allele origin: germline.
Comment: In summary, the available evidence is currently insufficient to determine the role of this variant in disease. Therefore, it has been classified as a Variant of Uncertain Significance. Algorithms developed to predict the effect of missense changes on protein structure and function output the following: SIFT: "Tolerated"; PolyPhen-2: "Benign"; Align-GVGD: "Class C0". The valine amino acid residue is found in multiple mammalian species, which suggests that this missense change does not adversely affect protein function. This variant has not been reported in the literature in individuals affected with DYM-related conditions. This variant is present in population databases (no rsID available, gnomAD 0.006%). This sequence change replaces glycine, which is neutral and non-polar, with valine, which is neutral and non-polar, at codon 138 of the DYM protein (p.Gly138Val).

NM_001353214.3(DYM):c.413G>T (p.Gly138Val)

Gene: DYM (dymeclin; minus strand). Cytogenetic location: 18q21.1.
Variant type: single nucleotide variant.
Coding change: c.413G>T on transcript NM_001353214.3 (MANE Select); coding-DNA position 413, G replaced by T.
Protein change: p.Gly138Val; replaces glycine 138 with valine.
Molecular consequence: missense variant. On other transcripts: intron variant (5).
Genome position (GRCh38, 1-based): chr18:49,378,575, C>A on the plus strand (G>T on the coding strand, the complement: DYM is on the minus strand). VCF-style: chr18-49378575-C-A. GRCh37 (hg19) VCF-style: chr18-46904945-C-A.
Other names: c.413G>T, p.Gly138Val (NM_001353210.3, NM_001353213.3, NM_001353215.3 and 12 more transcripts); c.410G>T, p.Gly137Val (NM_001353211.3, NM_001353212.3, NM_001374429.1 and 1 more transcripts); c.193+13018G>T (NM_001374443.1, NM_001374444.1, NM_001374442.1 and 2 more transcripts); short protein forms G137V, G138V.
Identifiers: ClinVar variation 1897312 (VCV001897312.5), dbSNP rs1352240260, ClinGen allele CA402412921.
Genomic context (GRCh38, chr18:49,378,575, plus strand): 5'-CCTTAAATGTTACACATGATATATCCAGAACATCTTTAAAAACAATACTTACTGTAATTG[C>A]CAGGAGATTTTTCTTCATAAGTAAAATGAAGTTGTAATTCCTCCTCTGACATCTGACAGA-3'
Protein context (NP_001340143.1, residues 128-148): LHFTYEEKSP[Gly138Val]NYSSDSEDLL